The following is an entry in ClinVar:

ClinVar aggregate classification (germline): Uncertain significance (1 of 4 stars; one submission).

Allele frequency attached by ClinVar (database versions not stated): gnomAD exomes below 0.00001; TOPMed below 0.00001; gnomAD 0.00001.
gnomAD v4.1: 2 of 1,609,724 alleles (0.00012%); highest among the groups gnomAD compares: Non-Finnish European, 0.00017%; no homozygotes.

Submission:

Labcorp Genetics (formerly Invitae), Labcorp
Classification: Uncertain significance. Last evaluated: 2025-01-13. Review status: criteria provided, single submitter. Criteria: Invitae Variant Classification Sherloc (09022015). Collection method: clinical testing. Allele origin: germline.
Comment: This sequence change affects codon 196 of the THAP11 mRNA. It is a 'silent' change, meaning that it does not change the encoded amino acid sequence of the THAP11 protein. This variant is not present in population databases (gnomAD no frequency). This variant has not been reported in the literature in individuals affected with THAP11-related conditions. ClinVar contains an entry for this variant (Variation ID: 2821261). In summary, the available evidence is currently insufficient to determine the role of this variant in disease. Therefore, it has been classified as a Variant of Uncertain Significance.

NM_020457.3(THAP11):c.588T>C (p.Phe196=)

Genes: CENPT (centromere protein T; minus strand), THAP11 (THAP domain containing 11; plus strand). Cytogenetic location: 16q22.1.
Variant type: single nucleotide variant.
Coding change: c.588T>C on transcript NM_020457.3 (MANE Select); coding-DNA position 588, T replaced by C.
Protein change: p.Phe196=; no amino-acid change (phenylalanine 196 retained).
Molecular consequence: synonymous variant. On other transcripts: intron variant (1).
Genome position (GRCh38, 1-based): chr16:67,843,142, T>C. VCF-style: chr16-67843142-T-C. GRCh37 (hg19) VCF-style: chr16-67877045-T-C.
Other names: c.-492+4259A>G (NM_025082.4).
Identifiers: ClinVar variation 2821261 (VCV002821261.3), dbSNP rs2057776831, ClinGen allele CA496379144.